The following is an entry in ClinVar:

ClinVar aggregate classification (germline): Uncertain significance (1 of 4 stars; one submission).

Conditions:
Familial intrahepatic cholestasis. Identifiers: Orphanet 284385, MedGen CN296401, MONDO:0017290.
Low phospholipid associated cholelithiasis (GBD1). Also called: Gallbladder disease 1; Gallstone cholecystitis. Identifiers: Orphanet 69663, MedGen C2609268, MONDO:0010939, OMIM 600803.

gnomAD v4.1: 1 of 1,614,118 alleles (0.000062%); highest among the groups gnomAD compares: Non-Finnish European, 0.000085%; no homozygotes.

Submission:

Genomenon, Inc
Classification: Uncertain significance for Familial intrahepatic cholestasis; Low phospholipid associated cholelithiasis. Last evaluated: 2026-04-14. Review status: criteria provided, single submitter. Criteria: Genomenon Sequence Variant Interpretation Standards - Updated. Collection method: curation. Allele origin: germline. Affected: no.
Comment: ABCB4 p.Val192Ile (c.574G>A) is a missense variant that changes the amino acid at residue 192 from Valine to Isoleucine. This variant has been reported in the published literature (PMID:37208429). It is absent or not present at a significant frequency in gnomAD. In silico models predict that this variant is not damaging. In conclusion, we classify ABCB4 p.Val192Ile (c.574G>A) as a variant of uncertain significance.

Literature cited by the submitters: PubMed 37208429.

NM_000443.4(ABCB4):c.574G>A (p.Val192Ile)

Gene: ABCB4 (ATP binding cassette subfamily B member 4; minus strand). Cytogenetic location: 7q21.12.
Variant type: single nucleotide variant.
Coding change: c.574G>A on transcript NM_000443.4 (MANE Select); coding-DNA position 574, G replaced by A.
Protein change: p.Val192Ile; replaces valine 192 with isoleucine.
Molecular consequence: missense variant.
Genome position (GRCh38, 1-based): chr7:87,451,757, C>T on the plus strand (G>A on the coding strand, the complement: ABCB4 is on the minus strand). VCF-style: chr7-87451757-C-T. GRCh37 (hg19) VCF-style: chr7-87081073-C-T.
Other names: c.574G>A, p.Val192Ile (NM_018849.3, NM_018850.3); short protein forms V192I.
Identifiers: ClinVar variation 4846655 (VCV004846655.1).